The following is an entry in ClinVar:

ClinVar aggregate classification (germline): Uncertain significance (1 of 4 stars; one submission).

gnomAD v4.1: 1 of 1,573,668 alleles (0.000064%); highest among the groups gnomAD compares: Non-Finnish European, 0.000086%; no homozygotes.

Submission:

Dasa
Classification: Uncertain significance. Last evaluated: 2025-05-14. Review status: criteria provided, single submitter. Criteria: DASA Assertion Criteria. Collection method: clinical testing. Allele origin: germline.
Comment: NM_020159.5(SMARCAD1):c.922A>G (p.Asn308Asp) is a missense variant that results in the substitution of asparagine with aspartic acid. This variant is rare in population databases. Computational prediction algorithms are consistent with a benign effect. The currently available literature and clinical evidence are not sufficient to establish a definitive association between this variant and the reported condition. Therefore, this variant is classified as a variant of uncertain significance.

NM_020159.5(SMARCAD1):c.922A>G (p.Asn308Asp)

Gene: SMARCAD1 (SNF2 related chromatin remodeling ATPase with DExD box 1; plus strand). Cytogenetic location: 4q22.3.
Variant type: single nucleotide variant.
Coding change: c.922A>G on transcript NM_020159.5 (MANE Select); coding-DNA position 922, A replaced by G.
Protein change: p.Asn308Asp; replaces asparagine 308 with aspartic acid.
Molecular consequence: missense variant. On other transcripts: non-coding transcript variant (17).
Genome position (GRCh38, 1-based): chr4:94,252,648, A>G. VCF-style: chr4-94252648-A-G. GRCh37 (hg19) VCF-style: chr4-95173799-A-G.
Other names: c.922A>G, p.Asn308Asp (NM_001128429.3, NM_001128430.2, NM_001375855.1 and 2 more transcripts); c.919A>G, p.Asn307Asp (NM_001375857.1); short protein forms N307D, N308D.
Identifiers: ClinVar variation 4880992 (VCV004880992.2).